The following is an entry in ClinVar:

NM_001458.5(FLNC):c.7136-4C>T

Genes: FLNC (filamin C; plus strand), FLNC-AS1 (FLNC antisense RNA 1; minus strand). Cytogenetic location: 7q32.1.
Variant type: single nucleotide variant.
Coding change: c.7136-4C>T on transcript NM_001458.5 (MANE Select); 4 bases into the intron before coding-DNA position 7136, C replaced by T.
Molecular consequence: intron variant.
Genome position (GRCh38, 1-based): chr7:128,855,195, C>T. VCF-style: chr7-128855195-C-T. GRCh37 (hg19) VCF-style: chr7-128495249-C-T.
Other names: c.7037-4C>T (NM_001127487.2); c.7136-4C>T (NM_001458.4).
Identifiers: ClinVar variation 871493 (VCV000871493.21), dbSNP rs938369758, ClinGen allele CA166193459.

ClinVar aggregate classification (germline): Likely benign. Review status: criteria provided, multiple submitters, no conflicts (2 of 4 stars). 3 submissions from 3 submitters: Likely benign (3). Last evaluated 2025-12-09.

Conditions:
FLNC-related disorder. Also called: FLNC-related condition; FLNC-related disorders.
Cardiovascular phenotype. Identifiers: MedGen CN230736.
Hypertrophic cardiomyopathy 26. Also called: Cardiomyopathy, familial hypertrophic, 26. Identifiers: Orphanet 75249, MedGen C4310749, MONDO:0014883, OMIM 617047.
Distal myopathy with posterior leg and anterior hand involvement. Also called: WILLIAMS DISTAL MYOPATHY. Identifiers: Orphanet 63273, MedGen C3279722, MONDO:0013550, OMIM 614065.
Myofibrillar myopathy 5. Also called: FILAMINOPATHY, AUTOSOMAL DOMINANT; Filaminopathy (type). Identifiers: Orphanet 171445, MedGen C1836050, MONDO:0012289, OMIM 609524.

Allele frequency attached by ClinVar (database versions not stated): gnomAD exomes below 0.00001 and 0.00001; gnomAD 0.00001; TOPMed 0.00001.

Submissions (3):

PreventionGenetics, part of Exact Sciences
Classification: Likely benign for FLNC-related condition. Last evaluated: 2025-12-09. Review status: criteria provided, single submitter. Criteria: ACMG Guidelines, 2015. Collection method: clinical testing. Allele origin: germline.
Comment: This variant is classified as likely benign based on ACMG/AMP sequence variant interpretation guidelines (Richards et al. 2015 PMID: 25741868, with internal and published modifications).

Labcorp Genetics (formerly Invitae), Labcorp
Classification: Likely benign for Distal myopathy with posterior leg and anterior hand involvement; Myofibrillar myopathy 5; Hypertrophic cardiomyopathy 26. Last evaluated: 2025-02-13. Review status: criteria provided, single submitter. Criteria: Invitae Variant Classification Sherloc (09022015). Collection method: clinical testing. Allele origin: germline.

Ambry Genetics
Classification: Likely benign for Cardiovascular phenotype. Last evaluated: 2023-09-29. Review status: criteria provided, single submitter. Criteria: Ambry Variant Classification Scheme 2023. Collection method: clinical testing. Allele origin: germline.